The following is an entry in ClinVar:

NM_001692.4(ATP6V1B1):c.823dup (p.Thr275fs)

Gene: ATP6V1B1 (ATPase H+ transporting V1 subunit B1; plus strand). Cytogenetic location: 2p13.3.
Variant type: Duplication.
Coding change: c.823dup on transcript NM_001692.4 (MANE Select); coding-DNA position 823, one base duplicated (A; older notation c.823dupA).
Protein change: p.Thr275fs; shifts the reading frame from threonine 275.
Molecular consequence: frameshift variant.
Genome position (GRCh38, 1-based): chr2:70,962,814, A duplicated. VCF-style (leftmost placement, unchanged base first): chr2-70962813-C-CA. GRCh37 (hg19) VCF-style: chr2-71189943-C-CA.
Other names: short protein forms T275fs.
Identifiers: ClinVar variation 5010863 (VCV005010863.1).

ClinVar aggregate classification (germline): Pathogenic (1 of 4 stars; one submission).

Conditions:
Renal tubular acidosis with progressive nerve deafness. Also called: RENAL TUBULAR ACIDOSIS, AUTOSOMAL RECESSIVE, WITH PROGRESSIVE NERVE DEAFNESS; RTA WITH PROGRESSIVE NERVE DEAFNESS; Distal Renal Tubular Acidosis with Progressive Sensorineural Deafness; renal tubular acidosis, distal, 2, with progressive sensorineural hearing loss. Identifiers: MedGen C0403554, MONDO:0009968, OMIM 267300.

Submission:

Myriad Genetics, Inc.
Classification: Pathogenic for Renal tubular acidosis with progressive nerve deafness. Last evaluated: 2024-05-14. Review status: criteria provided, single submitter. Criteria: Myriad Autosomal Dominant, Autosomal Recessive and X-Linked Classification Criteria (2023). Collection method: clinical testing. Allele origin: unknown.
Comment: NM_001692.3(ATP6V1B1):c.823dupA(T275Nfs*3) is expected to be pathogenic in the context of distal renal tubular acidosis with deafness, ATP6V1B1-related. This variant is predicted to lead to an abnormal or absent protein product due to the creation of a premature termination codon in ATP6V1B1, a gene where loss-of-function variants are known to be pathogenic. Please note: this variant was assessed in the context of healthy population screening.